The following is an entry in ClinVar:

NM_001042492.3(NF1):c.5648C>T (p.Thr1883Ile)

Gene: NF1 (neurofibromin 1; plus strand). Cytogenetic location: 17q11.2.
Variant type: single nucleotide variant.
Coding change: c.5648C>T on transcript NM_001042492.3 (MANE Select); coding-DNA position 5648, C replaced by T.
Protein change: p.Thr1883Ile; replaces threonine 1883 with isoleucine.
Molecular consequence: missense variant.
Genome position (GRCh38, 1-based): chr17:31,330,334, C>T. VCF-style: chr17-31330334-C-T. GRCh37 (hg19) VCF-style: chr17-29657352-C-T.
Other names: c.5585C>T, p.Thr1862Ile (NM_000267.4); short protein forms T1883I, T1862I.
Identifiers: ClinVar variation 1748442 (VCV001748442.4), dbSNP rs2151544497, ClinGen allele CA399010170.

ClinVar aggregate classification (germline): Uncertain significance (1 of 4 stars; one submission).

Conditions:
Cardiovascular phenotype. Identifiers: MedGen CN230736.
Hereditary cancer-predisposing syndrome. Also called: Neoplastic Syndromes, Hereditary; Tumor predisposition; Hereditary Cancer Syndrome; Hereditary neoplastic syndrome. Identifiers: Orphanet 140162, MedGen C0027672, MeSH D009386, MONDO:0015356.

Submission:

Ambry Genetics
Classification: Uncertain significance for Cardiovascular phenotype; Hereditary cancer-predisposing syndrome. Last evaluated: 2026-04-28. Review status: criteria provided, single submitter. Criteria: Ambry Variant Classification Scheme 2023. Collection method: clinical testing. Allele origin: germline.
Comment: The p.T1862I variant (also known as c.5585C>T), located in coding exon 38 of the NF1 gene, results from a C to T substitution at nucleotide position 5585. The threonine at codon 1862 is replaced by isoleucine, an amino acid with similar properties. This amino acid position is highly conserved in available vertebrate species. In addition, this alteration is predicted to be deleterious by in silico analysis. Based on the available evidence, the clinical significance of this variant remains unclear.